The following is an entry in ClinVar:

NM_000516.7(GNAS):c.238G>T (p.Ala80Ser)

Gene: GNAS (GNAS complex locus; plus strand). Cytogenetic location: 20q13.32.
Variant type: single nucleotide variant.
Coding change: c.238G>T on transcript NM_000516.7 (MANE Select); coding-DNA position 238, G replaced by T.
Protein change: p.Ala80Ser; replaces alanine 80 with serine.
Molecular consequence: missense variant. On other transcripts: 3 prime UTR variant (3), non-coding transcript variant (2), intron variant (6).
Genome position (GRCh38, 1-based): chr20:58,898,966, G>T. VCF-style: chr20-58898966-G-T. GRCh37 (hg19) VCF-style: chr20-57474021-G-T.
Other names: c.238G>T, p.Ala80Ser (NM_001077488.5, NM_001309842.2); c.*99G>T (NM_001077490.3); c.61G>T, p.Ala21Ser (NM_001309840.2, NM_001309861.2, NM_001438276.1 and 1 more transcripts); c.*257G>T (NM_001309883.1); c.142G>T, p.Ala48Ser (NM_001410912.1); c.*141G>T (NM_016592.5); c.2167G>T, p.Ala723Ser (NM_080425.4); c.2141+3282G>T (NM_001410913.1); and 2 more; short protein forms A723S, A80S, A21S, A48S.
Identifiers: ClinVar variation 4983275 (VCV004983275.1).
Genomic context (GRCh38, chr20:58,898,966, plus strand): 5'-GCAGATTAGGTGAGCTTTCAATCTCTCTTTAAAAGGGGCGGCGAAGAGGACCCGCAGGCT[G>T]CAAGGAGCAACAGCGATGGGTAGGCACATTCAAAACCAGAAAAAATTGTTAACAAACCAA-3'
Protein context (NP_000507.1, residues 70-90): GEGGEEDPQA[Ala80Ser]RSNSDGEKAT

ClinVar aggregate classification (germline): Uncertain significance (1 of 4 stars; one submission).

Conditions:
GNAS-related disorder. Identifiers: MedGen CN380105.

gnomAD v4.1: 6 of 1,613,802 alleles (0.00037%); highest among the groups gnomAD compares: Non-Finnish European, 0.00042%; no homozygotes.

Submission:

PreventionGenetics, part of Exact Sciences
Classification: Uncertain significance for GNAS-related condition. Last evaluated: 2026-09-07. Review status: criteria provided, single submitter. Criteria: ACMG Guidelines, 2015. Collection method: clinical testing. Allele origin: germline.
Comment: The GNAS c.238G>T variant is predicted to result in the amino acid substitution p.Ala80Ser. To our knowledge, this variant has not been reported in the literature or in a large population database (gnomAD), indicating this variant is rare. At this time, the clinical significance of this variant is uncertain due to the absence of conclusive functional and genetic evidence.